The following is an entry in ClinVar:

ClinVar aggregate classification (germline): Likely benign. Review status: criteria provided, single submitter (1 of 4 stars). 2 submissions from 2 submitters: Likely benign (1). 1 of the submissions does not count toward it. Last evaluated 2025-12-24.

Conditions:
ANKZF1-related disorder. Also called: ANKZF1-related condition.

Allele frequency attached by ClinVar (database versions not stated): gnomAD exomes 0.00019 and 0.00040; ExAC 0.00039; ESP Exome Variant Server 0.00057; gnomAD 0.00123 and 0.00126; TOPMed 0.00133; 1000 Genomes Project 30x 0.00141; 1000 Genomes Project 0.00160.
gnomAD v4.1: 480 of 1,614,208 alleles (0.03%); highest among the groups gnomAD compares: African/African-American, 0.48%; 1 homozygote.

Submissions (5):

Labcorp Genetics (formerly Invitae), Labcorp
Classification: Likely benign. Last evaluated: 2025-12-24. Review status: criteria provided, single submitter. Criteria: Invitae Variant Classification Sherloc (09022015). Collection method: clinical testing. Allele origin: germline.

PreventionGenetics, part of Exact Sciences
Classification: Likely benign for ANKZF1-related condition. Last evaluated: 2019-07-01. Review status: no assertion criteria provided. Collection method: clinical testing. Allele origin: germline. Not counted in ClinVar's aggregate classification.
Comment: This variant is classified as likely benign based on ACMG/AMP sequence variant interpretation guidelines (Richards et al. 2015 PMID: 25741868, with internal and published modifications).

Dr. Peter K. Rogan Lab, Western University
No classification provided (evidence only). Condition: Lung cancer. Review status: no classification provided. Collection method: in vitro. Allele origin: not applicable. Functional consequence: retained intron. Not counted in ClinVar's aggregate classification.

Dr. Peter K. Rogan Lab, Western University
No classification provided (evidence only). Condition: Familial cancer of breast. Review status: no classification provided. Collection method: in vitro. Allele origin: not applicable. Functional consequence: retained intron. Not counted in ClinVar's aggregate classification.

Dr. Peter K. Rogan Lab, Western University
No classification provided (evidence only). Condition: Thymoma. Review status: no classification provided. Collection method: in vitro. Allele origin: not applicable. Functional consequence: retained intron. Not counted in ClinVar's aggregate classification.

NM_018089.3(ANKZF1):c.2057+5G>A

Gene: ANKZF1 (ankyrin repeat and zinc finger peptidyl tRNA hydrolase 1; plus strand). Cytogenetic location: 2q35.
Variant type: single nucleotide variant.
Coding change: c.2057+5G>A on transcript NM_018089.3 (MANE Select); 5 bases into the intron after coding-DNA position 2057, G replaced by A.
Molecular consequence: intron variant.
Genome position (GRCh38, 1-based): chr2:219,236,100, G>A. VCF-style: chr2-219236100-G-A. GRCh37 (hg19) VCF-style: chr2-220100822-G-A.
Other names: c.2057+5G>A (NM_001042410.2, NM_018089.2); c.1427+5G>A (NM_001282792.2).
Identifiers: ClinVar variation 1137322 (VCV001137322.12), dbSNP rs181688677, ClinGen allele CA2121291.
Genomic context (GRCh38, chr2:219,236,100, plus strand): 5'-GCCCAGTTGGGAGCCCCTACCTCTCCAATCCCTGACTCTGCAATCGTCAATACTCGGTAT[G>A]GGGTGCGGGATGAGGGAGTGGGTGGACTGTAATGTTGCAGGGACCATTGGGGGCAAGAGA-3'